The following is an entry in ClinVar:

ClinVar aggregate classification (germline): Uncertain significance. Review status: criteria provided, multiple submitters, no conflicts (2 of 4 stars). 7 submissions from 7 submitters: Uncertain significance (6). 1 of the submissions does not count toward it. Last evaluated 2025-07-27.

Conditions:
POLG-related disorder. Also called: POLG-Related Spectrum Disorders; POLG-related condition; POLG-Related Disorders. Identifiers: MedGen C4763519.
Mitochondrial DNA depletion syndrome 1. Also called: Mitochondrial DNA Depletion Syndrome, MNGIE Form; Mitochondrial Neurogastrointestinal Encephalopathy Disease; MITOCHONDRIAL NEUROGASTROINTESTINAL ENCEPHALOPATHY SYNDROME, TYMP-RELATED; MNGIE, TYMP-RELATED; Mitochondrial DNA depletion syndrome 1 (MNGIE type); Mitochondrial neurogastrointestinal encephalomyopathy syndrome. Identifiers: Orphanet 298, MedGen C4551995, MONDO:0011283, OMIM 603041.
Progressive sclerosing poliodystrophy (MTDPS4A). Also called: Mitochondrial DNA depletion syndrome 4A (Alpers type); Mitochondrial DNA Depletion Syndrome 4A; Alpers Syndrome; ALPERS DIFFUSE DEGENERATION OF CEREBRAL GRAY MATTER WITH HEPATIC CIRRHOSIS; Alpers-Huttenlocher Syndrome; ALPERS PROGRESSIVE INFANTILE POLIODYSTROPHY. Identifiers: Orphanet 726, MedGen C0205710, MONDO:0008758, OMIM 203700.
Mitochondrial DNA depletion syndrome 4b. Also called: MNGIE, POLG-RELATED; Mitochondrial Neurogastrointestinal Encephalopathy Disease, POLG-Related. Identifiers: Orphanet 298, MedGen C3150914, MONDO:0013350, OMIM 613662.
Progressive external ophthalmoplegia with mitochondrial DNA deletions, autosomal dominant 1 (PEOA1). Also called: PROGRESSIVE EXTERNAL OPHTHALMOPLEGIA, AUTOSOMAL DOMINANT 1; Autosomal Dominant Progressive External Ophthalmoplegia (adPEO). Identifiers: MedGen C1834846, MONDO:0024528, OMIM 157640.
Progressive external ophthalmoplegia with mitochondrial DNA deletions, autosomal recessive 1 (PEOB1). Also called: Progressive external ophthalmoplegia, autosomal recessive 1; Autosomal Recessive Progressive External Ophthalmoplegia (arPEO). Identifiers: Orphanet 254886, MedGen C4225153, MONDO:0009783, OMIM 258450.
Sensory ataxic neuropathy, dysarthria, and ophthalmoparesis (SANDO). Also called: SENSORY ATAXIC NEUROPATHY WITH MITOCHONDRIAL DNA DELETIONS, AUTOSOMAL RECESSIVE; Sensory ataxic neuropathy-dysarthria-ophthalmoparesis syndrome; Epilepsy, progressive myoclonic, type 5; Ataxia Neuropathy Spectrum (ANS). Identifiers: Orphanet 70595, MedGen C1843851, MONDO:0011835, OMIM 607459.
Inborn genetic diseases. Identifiers: MedGen C0950123, MeSH D030342.

Allele frequency attached by ClinVar (database versions not stated): TOPMed 0.00002; ExAC 0.00003; gnomAD 0.00003; gnomAD exomes 0.00003.
gnomAD v4.1: 45 of 1,613,240 alleles (0.0028%); highest among the groups gnomAD compares: Non-Finnish European, 0.0036%; no homozygotes.

Submissions (7):

Labcorp Genetics (formerly Invitae), Labcorp
Classification: Uncertain significance for Progressive sclerosing poliodystrophy. Last evaluated: 2025-07-27. Review status: criteria provided, single submitter. Criteria: Invitae Variant Classification Sherloc (09022015). Collection method: clinical testing. Allele origin: germline.
Comment: This sequence change replaces leucine, which is neutral and non-polar, with valine, which is neutral and non-polar, at codon 247 of the POLG protein (p.Leu247Val). This variant is present in population databases (rs754696832, gnomAD 0.006%). This variant has not been reported in the literature in individuals affected with POLG-related conditions. ClinVar contains an entry for this variant (Variation ID: 593213). Invitae Evidence Modeling of protein sequence and biophysical properties (such as structural, functional, and spatial information, amino acid conservation, physicochemical variation, residue mobility, and thermodynamic stability) has been performed for this missense variant. However, the output from this modeling did not meet the statistical confidence thresholds required to predict the impact of this variant on POLG protein function. In summary, the available evidence is currently insufficient to determine the role of this variant in disease. Therefore, it has been classified as a Variant of Uncertain Significance.

Athena Diagnostics
Classification: Uncertain significance. Last evaluated: 2025-03-17. Review status: criteria provided, single submitter. Criteria: Athena Diagnostics Criteria. Collection method: clinical testing. Allele origin: unknown.
Comment: Available data are insufficient to determine the clinical significance of the variant at this time. The frequency of this variant in the general population is uninformative in assessment of its pathogenicity. Polyphen and MutationTaster predict this amino acid change may be benign.

Fulgent Genetics
Classification: Uncertain significance for Progressive external ophthalmoplegia with mitochondrial DNA deletions, autosomal dominant 1; Progressive sclerosing poliodystrophy; Progressive external ophthalmoplegia with mitochondrial DNA deletions, autosomal recessive 1; Mitochondrial DNA depletion syndrome 1; Sensory ataxic neuropathy, dysarthria, and ophthalmoparesis; Mitochondrial DNA depletion syndrome 4b. Last evaluated: 2021-07-30. Review status: criteria provided, single submitter. Criteria: ACMG Guidelines, 2015. Collection method: clinical testing. Allele origin: unknown.

Ambry Genetics
Classification: Uncertain significance for Inborn genetic diseases. Last evaluated: 2021-04-03. Review status: criteria provided, single submitter. Criteria: Ambry Variant Classification Scheme 2023. Collection method: clinical testing. Allele origin: germline.

Baylor Genetics
Classification: Uncertain significance for Progressive sclerosing poliodystrophy. Last evaluated: 2018-08-07. Review status: criteria provided, single submitter. Criteria: ACMG Guidelines, 2015. Collection method: clinical testing. Allele origin: paternal. Affected: yes.
Comment: This variant was determined to be of uncertain significance according to ACMG Guidelines, 2015 [PMID:25741868].

Eurofins Ntd Llc (ga)
Classification: Uncertain significance. Last evaluated: 2017-07-11. Review status: criteria provided, single submitter. Criteria: EGL Classification Definitions 2015. Collection method: clinical testing. Allele origin: germline. Observed: 1 variant allele, 1 heterozygote.

PreventionGenetics, part of Exact Sciences
Classification: Uncertain significance for POLG-related condition. Last evaluated: 2024-02-08. Review status: no assertion criteria provided. Collection method: clinical testing. Allele origin: germline. Not counted in ClinVar's aggregate classification.
Comment: The POLG c.739C>G variant is predicted to result in the amino acid substitution p.Leu247Val. To our knowledge, this variant has not been reported in the literature. This variant is reported in 0.0062% of alleles in individuals of European (Non-Finnish) descent in gnomAD. At this time, the clinical significance of this variant is uncertain due to the absence of conclusive functional and genetic evidence.

NM_002693.3(POLG):c.739C>G (p.Leu247Val)

Gene: POLG (DNA polymerase gamma, catalytic subunit; minus strand). Cytogenetic location: 15q26.1.
Variant type: single nucleotide variant.
Coding change: c.739C>G on transcript NM_002693.3 (MANE Select); coding-DNA position 739, C replaced by G.
Protein change: p.Leu247Val; replaces leucine 247 with valine.
Molecular consequence: missense variant.
Genome position (GRCh38, 1-based): chr15:89,330,197, G>C on the plus strand (C>G on the coding strand, the complement: POLG is on the minus strand). VCF-style: chr15-89330197-G-C. GRCh37 (hg19) VCF-style: chr15-89873428-G-C.
Other names: c.739C>G, p.Leu247Val (NM_001126131.2); short protein forms L247V.
Identifiers: ClinVar variation 593213 (VCV000593213.16), dbSNP rs754696832, ClinGen allele CA7725050.